The following is an entry in ClinVar:

ClinVar aggregate classification (germline): Likely benign. Review status: criteria provided, multiple submitters, no conflicts (2 of 4 stars). 2 submissions from 2 submitters: Likely benign (2). Last evaluated 2026-09-01.

Conditions:
FMN2-related disorder. Also called: FMN2-related condition.

Submissions (2):

CeGaT Center for Human Genetics Tuebingen
Classification: Likely benign. Last evaluated: 2026-09-01. Review status: criteria provided, single submitter. Criteria: CeGaT Center For Human Genetics Tuebingen Variant Classification Criteria Version 2. Collection method: clinical testing. Allele origin: germline. Affected: yes. Observed: 26 variant alleles.
Comment: FMN2: BP4, BP7

PreventionGenetics, part of Exact Sciences
Classification: Likely benign for FMN2-related condition. Last evaluated: 2020-02-05. Review status: criteria provided, single submitter. Criteria: ACMG Guidelines, 2015. Collection method: clinical testing. Allele origin: germline.
Comment: This variant is classified as likely benign based on ACMG/AMP sequence variant interpretation guidelines (Richards et al. 2015 PMID: 25741868, with internal and published modifications).

NM_020066.5(FMN2):c.2874T>A (p.Pro958=)

Gene: FMN2 (formin 2; plus strand). Cytogenetic location: 1q43.
Variant type: single nucleotide variant.
Coding change: c.2874T>A on transcript NM_020066.5 (MANE Select); coding-DNA position 2874, T replaced by A.
Protein change: p.Pro958=; no amino-acid change (proline 958 retained).
Molecular consequence: synonymous variant. On other transcripts: intron variant (1).
Genome position (GRCh38, 1-based): chr1:240,207,686, T>A. VCF-style: chr1-240207686-T-A. GRCh37 (hg19) VCF-style: chr1-240370986-T-A.
Other names: c.2886T>A, p.Pro962= (NM_001305424.2); c.1986+19424T>A (NM_001348094.2); c.2874T>A (NM_020066.4).
Identifiers: ClinVar variation 2640140 (VCV002640140.25), dbSNP rs1305894508, ClinGen allele CA1476840.